The following is an entry in ClinVar:

ClinVar aggregate classification (germline): Uncertain significance (1 of 4 stars; one submission).

gnomAD v4.1: 3 of 1,614,212 alleles (0.00019%); highest among the groups gnomAD compares: Middle Eastern, 0.016%; no homozygotes.

Submission:

Labcorp Genetics (formerly Invitae), Labcorp
Classification: Uncertain significance. Last evaluated: 2022-05-04. Review status: criteria provided, single submitter. Criteria: Invitae Variant Classification Sherloc (09022015). Collection method: clinical testing. Allele origin: germline.
Comment: This sequence change replaces leucine, which is neutral and non-polar, with isoleucine, which is neutral and non-polar, at codon 2318 of the GPR179 protein (p.Leu2318Ile). In summary, the available evidence is currently insufficient to determine the role of this variant in disease. Therefore, it has been classified as a Variant of Uncertain Significance. Algorithms developed to predict the effect of missense changes on protein structure and function are either unavailable or do not agree on the potential impact of this missense change (SIFT: "Tolerated"; PolyPhen-2: "Possibly Damaging"; Align-GVGD: "Class C0"). This variant has not been reported in the literature in individuals affected with GPR179-related conditions. This variant is not present in population databases (gnomAD no frequency).

NM_001004334.4(GPR179):c.6952C>A (p.Leu2318Ile)

Gene: GPR179 (G protein-coupled receptor 179; minus strand). Cytogenetic location: 17q12.
Variant type: single nucleotide variant.
Coding change: c.6952C>A on transcript NM_001004334.4 (MANE Select); coding-DNA position 6952, C replaced by A.
Protein change: p.Leu2318Ile; replaces leucine 2318 with isoleucine.
Molecular consequence: missense variant.
Genome position (GRCh38, 1-based): chr17:38,326,617, G>T on the plus strand (C>A on the coding strand, the complement: GPR179 is on the minus strand). VCF-style: chr17-38326617-G-T. GRCh37 (hg19) VCF-style: chr17-36482500-G-T.
Other names: short protein forms L2318I.
Identifiers: ClinVar variation 2123890 (VCV002123890.4), dbSNP rs775216905, ClinGen allele CA398866861.